The following is an entry in ClinVar:

ClinVar aggregate classification (germline): Uncertain significance (1 of 4 stars; one submission).

Conditions:
Inborn genetic diseases. Identifiers: MedGen C0950123, MeSH D030342.

Submission:

Ambry Genetics
Classification: Uncertain significance for Inborn genetic diseases. Last evaluated: 2024-03-14. Review status: criteria provided, single submitter. Criteria: Ambry Variant Classification Scheme 2023. Collection method: clinical testing. Allele origin: germline.
Comment: The c.2534G>A (p.G845E) alteration is located in exon 15 (coding exon 15) of the ATP2B1 gene. This alteration results from a G to A substitution at nucleotide position 2534, causing the glycine (G) at amino acid position 845 to be replaced by a glutamic acid (E). This variant was not reported in population-based cohorts in the Genome Aggregation Database (gnomAD). This amino acid position is highly conserved in available vertebrate species. This missense alteration is located in a region that has a low rate of benign missense variation (Lek, 2016; Firth, 2009). This alteration is predicted to be deleterious by in silico analysis. Based on insufficient or conflicting evidence, the clinical significance of this alteration remains unclear.

NM_001366521.1(ATP2B1):c.2534G>A (p.Gly845Glu)

Gene: ATP2B1 (ATPase plasma membrane Ca2+ transporting 1; minus strand). Cytogenetic location: 12q21.33.
Variant type: single nucleotide variant.
Coding change: c.2534G>A on transcript NM_001366521.1 (MANE Select); coding-DNA position 2534, G replaced by A.
Protein change: p.Gly845Glu; replaces glycine 845 with glutamic acid.
Molecular consequence: missense variant. On other transcripts: non-coding transcript variant (3).
Genome position (GRCh38, 1-based): chr12:89,604,255, C>T on the plus strand (G>A on the coding strand, the complement: ATP2B1 is on the minus strand). VCF-style: chr12-89604255-C-T. GRCh37 (hg19) VCF-style: chr12-89998032-C-T.
Other names: c.2534G>A, p.Gly845Glu (NM_001001323.2, NM_001366520.1, NM_001366522.1 and 12 more transcripts); c.2336G>A, p.Gly779Glu (NM_001366530.1, NM_001413053.1); c.1973G>A, p.Gly658Glu (NM_001366531.1, NM_001366532.1, NM_001413058.1 and 2 more transcripts); c.2495G>A, p.Gly832Glu (NM_001413048.1); c.2393G>A, p.Gly798Glu (NM_001413051.1, NM_001413052.1, NM_001413055.1); c.2291G>A, p.Gly764Glu (NM_001413054.1); c.2279G>A, p.Gly760Glu (NM_001413056.1); c.2081G>A, p.Gly694Glu (NM_001413057.1); short protein forms G760E, G779E, G845E, G658E, G764E, G694E, G798E, G832E.
Identifiers: ClinVar variation 3131531 (VCV003131531.1), dbSNP rs2540803984, ClinGen allele CA386003932.
Genomic context (GRCh38, chr12:89,604,255, plus strand): 5'-ACTACATTAACAGTAAGTTGGAACTGAAGGAATTTTGAGATGCTGTCATAGACATTTCGT[C>T]CCCACATAACTGCTTTAACAATGCTTGTAAAGTTGTCATCTGTGAGAATAATATCGGATG-3'
Protein context (NP_001353450.1, residues 835-855): FTSIVKAVMW[Gly845Glu]RNVYDSISKF